The following is an entry in ClinVar:

NR_003051.3(RMRP):n.-10_-9insCTCTGTGAAGCCTCTGTGAAGC

Gene: RMRP (RNA component of mitochondrial RNA processing endoribonuclease; minus strand). Cytogenetic location: 9p13.3.
Variant type: Microsatellite.
Genome position: GRCh38 VCF-style: chr9-35658027-A-AGCTTCACAGAGGCTTCACAGAG. GRCh37 (hg19) VCF-style: chr9-35658024-A-AGCTTCACAGAGGCTTCACAGAG.
Identifiers: ClinVar variation 984521 (VCV000984521.3), dbSNP rs1554651486, ClinGen allele CA587570219.

ClinVar aggregate classification (germline): Pathogenic/Likely pathogenic. Review status: criteria provided, multiple submitters, no conflicts (2 of 4 stars). 2 submissions from 2 submitters: Pathogenic (1); Likely pathogenic (1). Last evaluated 2024-10-13.

Conditions:
Metaphyseal chondrodysplasia, McKusick type (CHH). Also called: Cartilage-hair hypoplasia; Cartilage-Hair Hypoplasia (CHH). Identifiers: Orphanet 175, MedGen C0220748, MONDO:0009595, OMIM 250250.
Anauxetic dysplasia. Identifiers: Orphanet 93347, MedGen C1846796, MONDO:0011773.

Submissions (2):

Labcorp Genetics (formerly Invitae), Labcorp
Classification: Pathogenic for Anauxetic dysplasia. Last evaluated: 2024-10-13. Review status: criteria provided, single submitter. Criteria: Invitae Variant Classification Sherloc (09022015). Collection method: clinical testing. Allele origin: germline.
Comment: This variant occurs in the RMRP gene, which encodes an RNA molecule that does not result in a protein product. This variant is present in population databases (no rsID available, gnomAD 0.007%). While this particular variant has not been reported in the literature, it is located in the promoter region between the TATA box and the transcription initiation site, and other insertions and duplications immediately upstream of the coding sequence have been reported in individuals affected with cartilage-hair hypoplasia-anauxetic dysplasia (CHH-AD) spectrum disorders (PMID: 16244706, 11207361, 12107819). ClinVar contains an entry for this variant (Variation ID: 984521). While functional studies for this variant have not been reported, experimental analyses using patient derived cells, as well as in vitro transfection studies, have shown that promoter insertions result in silencing of RMRP transcription and reduced expression of the gene product (PMID: 11207361, 16254002). For these reasons, this variant has been classified as Pathogenic.

Women's Health and Genetics/Laboratory Corporation of America, LabCorp
Classification: Likely pathogenic for Metaphyseal chondrodysplasia, McKusick type. Last evaluated: 2020-10-22. Review status: criteria provided, single submitter. Criteria: LabCorp Variant Classification Summary - May 2015. Collection method: clinical testing. Allele origin: germline.
Comment: Variant summary: RMRP n.-10_-9ins22 involves the insertion of 22 nucleotides in the promoter region of the RMRP gene which is located between the TATA box (at position -33 to -25) and the transcription initiation site (at +1). Other insertions or duplications in the promoter region of RMRP have been classified as pathogenic (internally and in ClinVar). The variant was absent in 127922 control chromosomes (gnomAD). To our knowledge, no occurrence of n.-10_-9ins22 in individuals affected with Cartilage-Hair Hypoplasia and no experimental evidence demonstrating its impact on protein function have been reported. However, many other insertions or duplications in the promoter region of RMRP have been reported in affected individuals in the literature (e.g. PMIDs: 21956908, 21396580) and have been demonstrated through functional studies to lead to reduced RMRP transcription (e.g. PMIDs: 11207361, 16254002). No clinical diagnostic laboratories have submitted clinical-significance assessments for this variant to ClinVar after 2014. Based on the evidence outlined above, the variant was classified as likely pathogenic.

Literature cited by the submitters: PubMed 16244706 (cited by Labcorp Genetics (formerly Invitae), Labcorp); PubMed 11207361 (cited by Labcorp Genetics (formerly Invitae), Labcorp); PubMed 12107819 (cited by Labcorp Genetics (formerly Invitae), Labcorp); PubMed 16254002 (cited by Labcorp Genetics (formerly Invitae), Labcorp).